The following is an entry in ClinVar:

ClinVar aggregate classification (germline): Benign. Review status: criteria provided, multiple submitters, no conflicts (2 of 4 stars). 4 submissions from 4 submitters: Benign (3). 1 of the submissions does not count toward it. Last evaluated 2019-12-31.

Conditions:
SLC1A1-related disorder. Also called: SLC1A1-related condition.
Dicarboxylic aminoaciduria (DCBXA). Also called: GLUTAMATE-ASPARTATE TRANSPORT DEFECT. Identifiers: Orphanet 2195, MedGen C1857253, MONDO:0009110, OMIM 222730.

Allele frequency attached by ClinVar (database versions not stated): gnomAD exomes 0.00179 and 0.00450; ExAC 0.00558; gnomAD 0.01719 and 0.01849; 1000 Genomes Project 0.01817; ESP Exome Variant Server 0.01907; 1000 Genomes Project 30x 0.01952; TOPMed 0.02000.
gnomAD v4.1: 5,371 of 1,613,686 alleles (0.33%); highest among the groups gnomAD compares: African/African-American, 6%; 151 homozygotes.

Submissions (4):

Labcorp Genetics (formerly Invitae), Labcorp
Classification: Benign. Last evaluated: 2019-12-31. Review status: criteria provided, single submitter. Criteria: Invitae Variant Classification Sherloc (09022015). Collection method: clinical testing. Allele origin: germline.

Illumina Laboratory Services, Illumina
Classification: Benign for Dicarboxylic aminoaciduria. Last evaluated: 2018-01-13. Review status: criteria provided, single submitter. Criteria: ICSL Variant Classification Criteria 13 December 2019. Collection method: clinical testing. Allele origin: germline.
Comment: This variant was observed in the ICSL laboratory as part of a predisposition screen in an ostensibly healthy population. It had not been previously curated by ICSL or reported in the Human Gene Mutation Database (HGMD: prior to June 1st, 2018), and was therefore a candidate for classification through an automated scoring system. Utilizing variant allele frequency, disease prevalence and penetrance estimates, and inheritance mode, an automated score was calculated to assess if this variant is too frequent to cause the disease. Based on the score and internal cut-off values, a variant classified as benign is not then subjected to further curation. The score for this variant resulted in a classification of benign for this disease.

Breakthrough Genomics
Classification: Benign. Review status: criteria provided, single submitter. Criteria: ACMG Guidelines, 2015. Collection method: not provided. Allele origin: germline. Inheritance: Autosomal recessive inheritance. Affected: yes.

PreventionGenetics, part of Exact Sciences
Classification: Benign for SLC1A1-related condition. Last evaluated: 2019-04-11. Review status: no assertion criteria provided. Collection method: clinical testing. Allele origin: germline. Not counted in ClinVar's aggregate classification.
Comment: This variant is classified as benign based on ACMG/AMP sequence variant interpretation guidelines (Richards et al. 2015 PMID: 25741868, with internal and published modifications).

NM_004170.6(SLC1A1):c.149T>A (p.Phe50Tyr)

Gene: SLC1A1 (solute carrier family 1 member 1; plus strand). Cytogenetic location: 9p24.2.
Variant type: single nucleotide variant.
Coding change: c.149T>A on transcript NM_004170.6 (MANE Select); coding-DNA position 149, T replaced by A.
Protein change: p.Phe50Tyr; replaces phenylalanine 50 with tyrosine.
Molecular consequence: missense variant.
Genome position (GRCh38, 1-based): chr9:4,544,624, T>A. VCF-style: chr9-4544624-T-A. GRCh37 (hg19) VCF-style: chr9-4544624-T-A.
Other names: short protein forms F50Y.
Identifiers: ClinVar variation 367038 (VCV000367038.12), dbSNP rs2228621, ClinGen allele CA4968851.